The following is an entry in ClinVar:

ClinVar aggregate classification (germline): Uncertain significance (1 of 4 stars; one submission).

Conditions:
Developmental and epileptic encephalopathy, 23 (DEE23). Also called: Epileptic encephalopathy, early infantile, 23. Identifiers: Orphanet 411986, MedGen C4014492, MONDO:0014371, OMIM 615859.

Allele frequency attached by ClinVar (database versions not stated): ExAC 0.00001; gnomAD 0.00001 and 0.00003; gnomAD exomes 0.00001; TOPMed 0.00002; ESP Exome Variant Server 0.00008.
gnomAD v4.1: 16 of 1,612,884 alleles (0.00099%); highest among the groups gnomAD compares: South Asian, 0.0022%; no homozygotes.

Submission:

Labcorp Genetics (formerly Invitae), Labcorp
Classification: Uncertain significance for Developmental and epileptic encephalopathy, 23. Last evaluated: 2022-05-12. Review status: criteria provided, single submitter. Criteria: Invitae Variant Classification Sherloc (09022015). Collection method: clinical testing. Allele origin: germline.
Comment: This sequence change replaces asparagine, which is neutral and polar, with serine, which is neutral and polar, at codon 575 of the DOCK7 protein (p.Asn575Ser). This variant is present in population databases (rs147324128, gnomAD 0.003%). This variant has not been reported in the literature in individuals affected with DOCK7-related conditions. ClinVar contains an entry for this variant (Variation ID: 1034439). Algorithms developed to predict the effect of missense changes on protein structure and function (SIFT, PolyPhen-2, Align-GVGD) all suggest that this variant is likely to be tolerated. Algorithms developed to predict the effect of sequence changes on RNA splicing suggest that this variant may create or strengthen a splice site. In summary, the available evidence is currently insufficient to determine the role of this variant in disease. Therefore, it has been classified as a Variant of Uncertain Significance.

NM_001367561.1(DOCK7):c.1724A>G (p.Asn575Ser)

Gene: DOCK7 (dedicator of cytokinesis 7; minus strand). Cytogenetic location: 1p31.3.
Variant type: single nucleotide variant.
Coding change: c.1724A>G on transcript NM_001367561.1 (MANE Select); coding-DNA position 1724, A replaced by G.
Protein change: p.Asn575Ser; replaces asparagine 575 with serine.
Molecular consequence: missense variant.
Genome position (GRCh38, 1-based): chr1:62,586,583, T>C on the plus strand (A>G on the coding strand, the complement: DOCK7 is on the minus strand). VCF-style: chr1-62586583-T-C. GRCh37 (hg19) VCF-style: chr1-63052254-T-C.
Other names: c.1724A>G, p.Asn575Ser (NM_001271999.2, NM_001272000.2, NM_001272001.2 and 3 more transcripts); short protein forms N575S.
Identifiers: ClinVar variation 1034439 (VCV001034439.4), dbSNP rs147324128, ClinGen allele CA886472.